The following is an entry in ClinVar:

ClinVar aggregate classification (germline): Uncertain significance (1 of 4 stars; one submission).

Submission:

GeneDx
Classification: Uncertain significance. Last evaluated: 2024-10-24. Review status: criteria provided, single submitter. Criteria: GeneDx Variant Classification Process June 2021. Collection method: clinical testing. Allele origin: germline.
Comment: Not observed at significant frequency in large population cohorts (gnomAD); In silico analysis supports that this missense variant has a deleterious effect on protein structure/function; Has not been previously published as pathogenic or benign to our knowledge

NM_021224.6(ZNF462):c.4724G>A (p.Gly1575Asp)

Gene: ZNF462 (zinc finger protein 462; plus strand). Cytogenetic location: 9q31.2.
Variant type: single nucleotide variant.
Coding change: c.4724G>A on transcript NM_021224.6 (MANE Select); coding-DNA position 4724, G replaced by A.
Protein change: p.Gly1575Asp; replaces glycine 1575 with aspartic acid.
Molecular consequence: missense variant. On other transcripts: intron variant (1).
Genome position (GRCh38, 1-based): chr9:106,928,636, G>A. VCF-style: chr9-106928636-G-A. GRCh37 (hg19) VCF-style: chr9-109690917-G-A.
Other names: c.3252+1472G>A (NM_001347997.2); short protein forms G1575D.
Identifiers: ClinVar variation 3363635 (VCV003363635.2).